The following is an entry in ClinVar:

ClinVar aggregate classification (germline): Likely benign (1 of 4 stars; one submission).

Conditions:
ANKFY1-related disorder. Also called: ANKFY1-related condition.

gnomAD v4.1: 6 of 1,613,944 alleles (0.00037%); highest among the groups gnomAD compares: Admixed American, 0.01%; no homozygotes.

Submission:

PreventionGenetics, part of Exact Sciences
Classification: Likely benign for ANKFY1-related condition. Last evaluated: 2026-02-11. Review status: criteria provided, single submitter. Criteria: ACMG Guidelines, 2015. Collection method: clinical testing. Allele origin: germline.
Comment: This variant is classified as likely benign based on ACMG/AMP sequence variant interpretation guidelines (Richards et al. 2015 PMID: 25741868, with internal and published modifications).

NM_001330063.2(ANKFY1):c.369A>G (p.Thr123=)

Gene: ANKFY1 (ankyrin repeat and FYVE domain containing 1; minus strand). Cytogenetic location: 17p13.2.
Variant type: single nucleotide variant.
Coding change: c.369A>G on transcript NM_001330063.2 (MANE Select); coding-DNA position 369, A replaced by G.
Protein change: p.Thr123=; no amino-acid change (threonine 123 retained).
Molecular consequence: synonymous variant. On other transcripts: non-coding transcript variant (1).
Genome position (GRCh38, 1-based): chr17:4,217,072, T>C on the plus strand (A>G on the coding strand, the complement: ANKFY1 is on the minus strand). VCF-style: chr17-4217072-T-C. GRCh37 (hg19) VCF-style: chr17-4120367-T-C.
Other names: c.495A>G, p.Thr165= (NM_001257999.3); c.369A>G, p.Thr123= (NM_016376.5).
Identifiers: ClinVar variation 4990102 (VCV004990102.1).